The following is an entry in ClinVar:

NM_005327.7(HADH):c.825T>C (p.Asp275=)

Gene: HADH (hydroxyacyl-CoA dehydrogenase; plus strand). Cytogenetic location: 4q25.
Variant type: single nucleotide variant.
Coding change: c.825T>C on transcript NM_005327.7 (MANE Select); coding-DNA position 825, T replaced by C.
Protein change: p.Asp275=; no amino-acid change (aspartic acid 275 retained).
Molecular consequence: synonymous variant.
Genome position (GRCh38, 1-based): chr4:108,033,291, T>C. VCF-style: chr4-108033291-T-C. GRCh37 (hg19) VCF-style: chr4-108954447-T-C.
Other names: c.876T>C, p.Asp292= (NM_001184705.4); c.837T>C, p.Asp279= (NM_001331027.2).
Identifiers: ClinVar variation 1967334 (VCV001967334.3), dbSNP rs1736344235, ClinGen allele CA440569167.

ClinVar aggregate classification (germline): Uncertain significance (1 of 4 stars; one submission).

Conditions:
Deficiency of 3-hydroxyacyl-CoA dehydrogenase. Also called: HADH DEFICIENCY; 3-hydroxyacyl-CoA dehydrogenase deficiency. Identifiers: Orphanet 309127, Orphanet 71212, MedGen C1291230, MONDO:0017715, OMIM 231530.

Allele frequency attached by ClinVar (database versions not stated): gnomAD exomes 0.00001.
gnomAD v4.1: 7 of 1,413,298 alleles (0.0005%); highest among the groups gnomAD compares: Non-Finnish European, 0.0007%; no homozygotes.

Submission:

Labcorp Genetics (formerly Invitae), Labcorp
Classification: Uncertain significance for Deficiency of 3-hydroxyacyl-CoA dehydrogenase. Last evaluated: 2022-02-24. Review status: criteria provided, single submitter. Criteria: Invitae Variant Classification Sherloc (09022015). Collection method: clinical testing. Allele origin: germline.
Comment: This sequence change affects codon 275 of the HADH mRNA. It is a 'silent' change, meaning that it does not change the encoded amino acid sequence of the HADH protein. It affects a nucleotide within the consensus splice site. In summary, the available evidence is currently insufficient to determine the role of this variant in disease. Therefore, it has been classified as a Variant of Uncertain Significance. Algorithms developed to predict the effect of sequence changes on RNA splicing suggest that this variant is not likely to affect RNA splicing. This variant has not been reported in the literature in individuals affected with HADH-related conditions. This variant is not present in population databases (gnomAD no frequency).